The following is an entry in ClinVar:

NM_004211.5(SLC6A5):c.1385C>A (p.Thr462Lys)

Gene: SLC6A5 (solute carrier family 6 member 5; plus strand). Cytogenetic location: 11p15.1.
Variant type: single nucleotide variant.
Coding change: c.1385C>A on transcript NM_004211.5 (MANE Select); coding-DNA position 1385, C replaced by A.
Protein change: p.Thr462Lys; replaces threonine 462 with lysine.
Molecular consequence: missense variant.
Genome position (GRCh38, 1-based): chr11:20,626,832, C>A. VCF-style: chr11-20626832-C-A. GRCh37 (hg19) VCF-style: chr11-20648378-C-A.
Other names: c.683C>A, p.Thr228Lys (NM_001318369.2); short protein forms T228K, T462K.
Identifiers: ClinVar variation 1442389 (VCV001442389.6), dbSNP rs774730423, ClinGen allele CA5921417.
Genomic context (GRCh38, chr11:20,626,832, plus strand): 5'-CCCTGCCTGGAGCTGGAGCTGGGATCTGGTACTTCATCACACCCAAGTGGGAGAAACTCA[C>A]GGATGCCACGGTGGGCTTCTAATTTTATCTATAACCAGCCCTGGGGGAGTGGCCCTCTGG-3'
Protein context (NP_004202.4, residues 452-472): YFITPKWEKL[Thr462Lys]DATVWKDAAT

ClinVar aggregate classification (germline): Uncertain significance (1 of 4 stars; one submission).

Conditions:
Hyperekplexia 3 (HKPX3). Also called: HYPEREKPLEXIA 3, AUTOSOMAL RECESSIVE; HYPEREKPLEXIA 3, AUTOSOMAL DOMINANT. Identifiers: Orphanet 3197, MedGen C3553288, MONDO:0013827, OMIM 614618.

gnomAD v4.1: 6 of 1,613,720 alleles (0.00037%); highest among the groups gnomAD compares: Non-Finnish European, 0.00051%; no homozygotes.

Submission:

Labcorp Genetics (formerly Invitae), Labcorp
Classification: Uncertain significance for Hyperekplexia 3. Last evaluated: 2021-09-29. Review status: criteria provided, single submitter. Criteria: Invitae Variant Classification Sherloc (09022015). Collection method: clinical testing. Allele origin: germline.
Comment: In summary, the available evidence is currently insufficient to determine the role of this variant in disease. Therefore, it has been classified as a Variant of Uncertain Significance. Advanced modeling of protein sequence and biophysical properties (such as structural, functional, and spatial information, amino acid conservation, physicochemical variation, residue mobility, and thermodynamic stability) performed at Invitae indicates that this missense variant is not expected to disrupt SLC6A5 protein function. This variant has not been reported in the literature in individuals affected with SLC6A5-related conditions. This variant is present in population databases (rs774730423, ExAC 0.001%). This sequence change replaces threonine with lysine at codon 462 of the SLC6A5 protein (p.Thr462Lys). The threonine residue is moderately conserved and there is a moderate physicochemical difference between threonine and lysine.